The following is an entry in ClinVar:

ClinVar aggregate classification (germline): Pathogenic (1 of 4 stars; one submission).

Conditions:
Retinoblastoma (RB1). Also called: RETINOBLASTOMA, SOMATIC. Identifiers: Orphanet 790, MedGen C0035335, MeSH D012175, MONDO:0008380, OMIM 180200, HP:0009919. Disease mechanism: loss of function. Inheritance: Both sporadic and heritable forms are tested..

Submission:

Genetic Diagnostic Laboratory, University of Pennsylvania School of Medicine
Classification: Pathogenic for Retinoblastoma. Last evaluated: 2024-05-20. Review status: criteria provided, single submitter. Criteria: ACMG Guidelines, 2015. Collection method: clinical testing. Allele origin: germline. Affected: yes. Observed: 1 variant allele.
Comment: Case and Pedigree Information: BILATERAL CASES:1, UNILATERAL CASES:0, TOTAL CASES:1, PEDIGREES:1. ACMG Codes Applied:PVS1, PM2

NM_000321.3(RB1):c.224G>A (p.Trp75Ter)

Gene: RB1 (RB transcriptional corepressor 1; plus strand). Cytogenetic location: 13q14.2.
Variant type: single nucleotide variant.
Coding change: c.224G>A on transcript NM_000321.3 (MANE Select); coding-DNA position 224, G replaced by A.
Protein change: p.Trp75Ter; replaces tryptophan 75 with a stop codon.
Molecular consequence: nonsense.
Genome position (GRCh38, 1-based): chr13:48,307,366, G>A. VCF-style: chr13-48307366-G-A. GRCh37 (hg19) VCF-style: chr13-48881502-G-A.
Other names: c.224G>A, p.Trp75Ter (NM_001407165.1, NM_001407166.1, NM_001407167.1); short protein forms W75*.
Identifiers: ClinVar variation 3237105 (VCV003237105.1), dbSNP rs2138034351.